The following is an entry in ClinVar:

NM_000543.5(SMPD1):c.301del (p.Ile101fs)

Gene: SMPD1 (sphingomyelin phosphodiesterase 1; plus strand). Cytogenetic location: 11p15.4.
Variant type: Deletion.
Coding change: c.301del on transcript NM_000543.5 (MANE Select); coding-DNA position 301, one base deleted (A; older notation c.301delA).
Protein change: p.Ile101fs; shifts the reading frame from isoleucine 101.
Molecular consequence: frameshift variant. On other transcripts: 5 prime UTR variant (1), non-coding transcript variant (2).
Genome position (GRCh38, 1-based): chr11:6,390,899, A deleted. VCF-style (leftmost placement, unchanged base first): chr11-6390898-CA-C. GRCh37 (hg19) VCF-style: chr11-6412128-CA-C.
Other names: c.301del, p.Ile101fs (NM_001007593.3, NM_001318087.2, NM_001365135.2); c.-661del (NM_001318088.2); short protein forms I101fs.
Identifiers: ClinVar variation 2033063 (VCV002033063.4), dbSNP rs2493800963, ClinGen allele CA2580083947.

ClinVar aggregate classification (germline): Pathogenic (1 of 4 stars; one submission).

Conditions:
Niemann-Pick disease, type B. Also called: Chronic Visceral ASMD (Niemann-Pick Disease Type B; NPD-B). Identifiers: Orphanet 77293, MedGen C0268243, MONDO:0011871, OMIM 607616. Disease mechanism: loss of function.
Niemann-Pick disease, type A. Also called: Infantile Neurovisceral ASMD (Niemann-Pick Disease Type A; NPD-A); SPHINGOMYELIN LIPIDOSIS; SPHINGOMYELINASE DEFICIENCY. Identifiers: Orphanet 77292, MedGen C0268242, MONDO:0009756, OMIM 257200. Disease mechanism: loss of function.

Submission:

Labcorp Genetics (formerly Invitae), Labcorp
Classification: Pathogenic for Niemann-Pick disease, type B; Niemann-Pick disease, type A. Last evaluated: 2022-09-27. Review status: criteria provided, single submitter. Criteria: Invitae Variant Classification Sherloc (09022015). Collection method: clinical testing. Allele origin: germline.
Comment: This sequence change creates a premature translational stop signal (p.Ile101Serfs*5) in the SMPD1 gene. It is expected to result in an absent or disrupted protein product. Loss-of-function variants in SMPD1 are known to be pathogenic (PMID: 12369017, 15221801). This variant is not present in population databases (gnomAD no frequency). This premature translational stop signal has been observed in individual(s) with acid sphingomyelinase deficiency (PMID: 27884455). For these reasons, this variant has been classified as Pathogenic.

Literature cited by the submitters: PubMed 12369017; PubMed 15221801; PubMed 27884455.